The following is an entry in ClinVar:

NM_007294.4(BRCA1):c.1924G>A (p.Asp642Asn)

Gene: BRCA1 (BRCA1 DNA repair associated; minus strand). Cytogenetic location: 17q21.31.
Variant type: single nucleotide variant.
Coding change: c.1924G>A on transcript NM_007294.4 (MANE Select); coding-DNA position 1924, G replaced by A.
Protein change: p.Asp642Asn; replaces aspartic acid 642 with asparagine.
Molecular consequence: missense variant. On other transcripts: intron variant (137).
Genome position (GRCh38, 1-based): chr17:43,093,607, C>T on the plus strand (G>A on the coding strand, the complement: BRCA1 is on the minus strand). VCF-style: chr17-43093607-C-T. GRCh37 (hg19) VCF-style: chr17-41245624-C-T.
Other names: c.1711G>A, p.Asp571Asn (NM_001407571.1, NM_001407915.1, NM_001407853.1 and 9 more transcripts); c.1924G>A, p.Asp642Asn (NM_001407581.1, NM_001407582.1, NM_001407583.1 and 30 more transcripts); c.1921G>A, p.Asp641Asn (NM_001407587.1, NM_001407610.1, NM_001407611.1 and 22 more transcripts); c.1798G>A, p.Asp600Asn (NM_001407649.1, NM_001407670.1, NM_001407671.1 and 11 more transcripts); c.1846G>A, p.Asp616Asn (NM_001407653.1, NM_001407654.1, NM_001407655.1 and 4 more transcripts); c.1843G>A, p.Asp615Asn (NM_001407659.1, NM_001407660.1, NM_001407661.1 and 1 more transcripts); c.1801G>A, p.Asp601Asn (NM_001407674.1, NM_001407675.1, NM_001407676.1 and 19 more transcripts); c.1783G>A, p.Asp595Asn (NM_001407692.1, NM_001407694.1, NM_001407695.1 and 29 more transcripts); and 40 more; short protein forms D642N, D595N, D530N, D553N, D514N, D574N, D616N, D641N.
Identifiers: ClinVar variation 631379 (VCV000631379.10), dbSNP rs80357344, ClinGen allele CA10598178.

ClinVar aggregate classification (germline): Conflicting classifications of pathogenicity. Review status: criteria provided, conflicting classifications (1 of 4 stars). 4 submissions from 4 submitters: Uncertain significance (3); Likely benign (1). Last evaluated 2025-08-01.

Conditions:
Breast-ovarian cancer, familial, susceptibility to, 1 (BROVCA1). Also called: OVARIAN CANCER, SUSCEPTIBILITY TO; BRCA1 Hereditary Breast and Ovarian Cancer. Identifiers: Orphanet 145, MedGen C2676676, MONDO:0011450, OMIM 604370. Disease mechanism: loss of function.
Hereditary cancer-predisposing syndrome. Also called: Hereditary neoplastic syndrome; Tumor predisposition; Hereditary Cancer Syndrome; Neoplastic Syndromes, Hereditary. Identifiers: Orphanet 140162, MedGen C0027672, MeSH D009386, MONDO:0015356.

Submissions (4):

Ambry Genetics
Classification: Uncertain significance for Hereditary cancer-predisposing syndrome. Last evaluated: 2025-08-01. Review status: criteria provided, single submitter. Criteria: Ambry Variant Classification Scheme 2023. Collection method: clinical testing. Allele origin: germline.
Comment: The p.D642N variant (also known as c.1924G>A), located in coding exon 9 of the BRCA1 gene, results from a G to A substitution at nucleotide position 1924. The aspartic acid at codon 642 is replaced by asparagine, an amino acid with highly similar properties. This amino acid position is not well conserved in available vertebrate species. In addition, the in silico prediction for this alteration is inconclusive. Based on the available evidence, the clinical significance of this variant remains unclear.

University of Washington Department of Laboratory Medicine, University of Washington
Classification: Likely benign for Hereditary cancer-predisposing syndrome. Last evaluated: 2023-03-23. Review status: criteria provided, single submitter. Criteria: Dines et al. (Genet Med. 2020). Collection method: curation. Allele origin: germline.
Comment: Missense variant in a coldspot region where missense variants are very unlikely to be pathogenic (PMID:31911673).

BRCA1 coldspot (exon 11 using historical exon numbering). Reclassification based on statistical prior probability

All of Us Research Program, National Institutes of Health
Classification: Uncertain significance for Breast-ovarian cancer, familial, susceptibility to, 1. Last evaluated: 2023-01-10. Review status: criteria provided, single submitter. Criteria: ACMG Guidelines, 2015. Collection method: clinical testing. Allele origin: germline. Inheritance: Autosomal dominant inheritance. Observed: 1 variant allele, 1 heterozygote.
Comment: This missense variant replaces aspartic acid with asparagine at codon 642 of the BRCA1 protein. Computational prediction is inconclusive regarding the impact of this variant on protein structure and function (internally defined REVEL score threshold 0.5 < inconclusive < 0.7, PMID: 27666373). To our knowledge, functional studies have not been reported for this variant. This variant has not been reported in individuals affected with BRCA1-related disorders in the literature. This variant has not been identified in the general population by the Genome Aggregation Database (gnomAD). The available evidence is insufficient to determine the role of this variant in disease conclusively. Therefore, this variant is classified as a Variant of Uncertain Significance.

This study involves interpretation of variants in research participants for the purpose of population health screening. Participant phenotype was not available at the time of variant classification. Additional details can be found in publication PMID: 35346344, PMCID: PMC8962531

Color Diagnostics, LLC DBA Color Health
Classification: Uncertain significance for Hereditary cancer-predisposing syndrome. Last evaluated: 2022-11-17. Review status: criteria provided, single submitter. Criteria: ACMG Guidelines, 2015. Collection method: clinical testing. Allele origin: germline.
Comment: This missense variant replaces aspartic acid with asparagine at codon 642 of the BRCA1 protein. Computational prediction is inconclusive regarding the impact of this variant on protein structure and function (internally defined REVEL score threshold 0.5 < inconclusive < 0.7, PMID: 27666373). To our knowledge, functional studies have not been reported for this variant. This variant has not been reported in individuals affected with BRCA1-related disorders in the literature. This variant has not been identified in the general population by the Genome Aggregation Database (gnomAD). The available evidence is insufficient to determine the role of this variant in disease conclusively. Therefore, this variant is classified as a Variant of Uncertain Significance.